The following is an entry in ClinVar:

ClinVar aggregate classification (germline): Uncertain significance (1 of 4 stars; one submission).

Allele frequency attached by ClinVar (database versions not stated): gnomAD exomes below 0.00001; gnomAD 0.00001.
gnomAD v4.1: 4 of 1,613,942 alleles (0.00025%); highest among the groups gnomAD compares: East Asian, 0.0022%; no homozygotes.

Submission:

Labcorp Genetics (formerly Invitae), Labcorp
Classification: Uncertain significance. Last evaluated: 2022-09-12. Review status: criteria provided, single submitter. Criteria: Invitae Variant Classification Sherloc (09022015). Collection method: clinical testing. Allele origin: germline.
Comment: This sequence change replaces threonine, which is neutral and polar, with alanine, which is neutral and non-polar, at codon 607 of the ABCA12 protein (p.Thr607Ala). This variant is present in population databases (no rsID available, gnomAD 0.006%). This variant has not been reported in the literature in individuals affected with ABCA12-related conditions. ClinVar contains an entry for this variant (Variation ID: 1422976). Advanced modeling of protein sequence and biophysical properties (such as structural, functional, and spatial information, amino acid conservation, physicochemical variation, residue mobility, and thermodynamic stability) performed at Invitae indicates that this missense variant is not expected to disrupt ABCA12 protein function. In summary, the available evidence is currently insufficient to determine the role of this variant in disease. Therefore, it has been classified as a Variant of Uncertain Significance.

NM_173076.3(ABCA12):c.1819A>G (p.Thr607Ala)

Gene: ABCA12 (ATP binding cassette subfamily A member 12; minus strand). Cytogenetic location: 2q35.
Variant type: single nucleotide variant.
Coding change: c.1819A>G on transcript NM_173076.3 (MANE Select); coding-DNA position 1819, A replaced by G.
Protein change: p.Thr607Ala; replaces threonine 607 with alanine.
Molecular consequence: missense variant. On other transcripts: non-coding transcript variant (1).
Genome position (GRCh38, 1-based): chr2:215,015,627, T>C on the plus strand (A>G on the coding strand, the complement: ABCA12 is on the minus strand). VCF-style: chr2-215015627-T-C. GRCh37 (hg19) VCF-style: chr2-215880351-T-C.
Other names: c.865A>G, p.Thr289Ala (NM_015657.4); short protein forms T289A, T607A.
Identifiers: ClinVar variation 1422976 (VCV001422976.6), dbSNP rs1285174703, ClinGen allele CA350486827.
Genomic context (GRCh38, chr2:215,015,627, plus strand): 5'-AAAGAGACAGGTTGCAGAATTCTTTCATTGCATCTTCTAGTTTGGGAGTGGTGATATTAG[T>C]ATCACAGGAATGCAGCCAGAACACCTGAGAAATAATCTGCAAATGGAGGAAGAAAAATAT-3'
Protein context (NP_775099.2, residues 597-617): SQVFWLHSCD[Thr607Ala]NITTPKLEDA